The following is an entry in ClinVar:

ClinVar aggregate classification (germline): Uncertain significance (1 of 4 stars; one submission).

Conditions:
3-Oxo-5 alpha-steroid delta 4-dehydrogenase deficiency (PPSH). Also called: PSEUDOVAGINAL PERINEOSCROTAL HYPOSPADIAS; FAMILIAL INCOMPLETE MALE PSEUDOHERMAPHRODITISM, TYPE 2; MALE PSEUDOHERMAPHRODITISM DUE TO 5-ALPHA-REDUCTASE DEFICIENCY; 46,XY disorder of sex development due to 5-alpha-reductase 2 deficiency. Identifiers: Orphanet 753, MedGen C0268297, MONDO:0009923, OMIM 264600. Disease mechanism: loss of function.

Submission:

Labcorp Genetics (formerly Invitae), Labcorp
Classification: Uncertain significance for 3-Oxo-5 alpha-steroid delta 4-dehydrogenase deficiency. Last evaluated: 2025-09-22. Review status: criteria provided, single submitter. Criteria: Invitae Variant Classification Sherloc (09022015). Collection method: clinical testing. Allele origin: germline.
Comment: This sequence change replaces methionine, which is neutral and non-polar, with lysine, which is basic and polar, at codon 157 of the SRD5A2 protein (p.Met157Lys). This variant is not present in population databases (gnomAD no frequency). This variant has not been reported in the literature in individuals affected with SRD5A2-related conditions. Invitae Evidence Modeling of protein sequence and biophysical properties (such as structural, functional, and spatial information, amino acid conservation, physicochemical variation, residue mobility, and thermodynamic stability) indicates that this missense variant is expected to disrupt SRD5A2 protein function with a positive predictive value of 80%. In summary, the available evidence is currently insufficient to determine the role of this variant in disease. Therefore, it has been classified as a Variant of Uncertain Significance.

NM_000348.4(SRD5A2):c.470T>A (p.Met157Lys)

Gene: SRD5A2 (steroid 5 alpha-reductase 2; minus strand). Cytogenetic location: 2p23.1.
Variant type: single nucleotide variant.
Coding change: c.470T>A on transcript NM_000348.4 (MANE Select); coding-DNA position 470, T replaced by A.
Protein change: p.Met157Lys; replaces methionine 157 with lysine.
Molecular consequence: missense variant.
Genome position (GRCh38, 1-based): chr2:31,531,448, A>T on the plus strand (T>A on the coding strand, the complement: SRD5A2 is on the minus strand). VCF-style: chr2-31531448-A-T. GRCh37 (hg19) VCF-style: chr2-31756518-A-T.
Other names: short protein forms M157K.
Identifiers: ClinVar variation 4744081 (VCV004744081.1).